The following is an entry in ClinVar:

ClinVar aggregate classification (germline): Conflicting classifications of pathogenicity. Review status: criteria provided, conflicting classifications (1 of 4 stars). 4 submissions from 4 submitters: Likely pathogenic (2); Uncertain significance (2). Last evaluated 2025-10-09.

Conditions:
Hematuria, benign familial, 1 (BFH1). Also called: THIN MEMBRANE NEPHROPATHY. Identifiers: MedGen CN376803, MONDO:0007709, OMIM 141200.
Autosomal recessive Alport syndrome (ATS2). Also called: ALPORT SYNDROME 2, AUTOSOMAL RECESSIVE; COL4A4 Alport Syndrome and Thin Basement Membrane Nephropathy; Alport syndrome type 2; COL4A3-Related Nephropathy. Identifiers: Orphanet 63, Orphanet 88919, MedGen C4746745, MONDO:0008762, OMIM 203780.
Alport syndrome. Also called: Hemorrhagic familial nephritis; Hemorrhagic hereditary nephritis; Congenital hereditary hematuria. Identifiers: Orphanet 63, MedGen C1567741, MONDO:0018965.
Inborn genetic diseases. Identifiers: MedGen C0950123, MeSH D030342.

Allele frequency attached by ClinVar (database versions not stated): gnomAD 0.00001.
gnomAD v4.1: 17 of 1,613,888 alleles (0.0011%); highest among the groups gnomAD compares: East Asian, 0.033%; no homozygotes.

Submissions (4):

Labcorp Genetics (formerly Invitae), Labcorp
Classification: Uncertain significance. Last evaluated: 2025-10-09. Review status: criteria provided, single submitter. Criteria: Invitae Variant Classification Sherloc (09022015). Collection method: clinical testing. Allele origin: germline.
Comment: This sequence change replaces glycine, which is neutral and non-polar, with glutamic acid, which is acidic and polar, at codon 816 of the COL4A4 protein (p.Gly816Glu). This variant is present in population databases (rs371817534, gnomAD 0.1%). This missense change has been observed in individual(s) with clinical features of COL4A4-related conditions (PMID: 28476686). ClinVar contains an entry for this variant (Variation ID: 3147598). Invitae Evidence Modeling of protein sequence and biophysical properties (such as structural, functional, and spatial information, amino acid conservation, physicochemical variation, residue mobility, and thermodynamic stability) indicates that this missense variant is expected to disrupt COL4A4 protein function with a positive predictive value of 95%. In summary, the available evidence is currently insufficient to determine the role of this variant in disease. Therefore, it has been classified as a Variant of Uncertain Significance.

Ambry Genetics
Classification: Uncertain significance for Inborn genetic diseases. Last evaluated: 2025-03-03. Review status: criteria provided, single submitter. Criteria: Ambry Variant Classification Scheme 2023. Collection method: clinical testing. Allele origin: germline.
Comment: The c.2447G>A (p.G816E) alteration is located in exon 29 (coding exon 28) of the COL4A4 gene. This alteration results from a G to A substitution at nucleotide position 2447, causing the glycine (G) at amino acid position 816 to be replaced by a glutamic acid (E). Based on data from gnomAD, the A allele has an overall frequency of 0.01% (24/249158) total alleles studied. The highest observed frequency was 0.134% (24/17960) of East Asian alleles. This variant was reported in multiple individuals with non-specific features of hematuria/kidney disease; however, this variant has also been detected in unaffected and presumably unaffected individuals (Wang, 2017; Gibson, 2021; Ambry internal data). This amino acid position is highly conserved in available vertebrate species. This alteration is predicted to be deleterious by in silico analysis. Based on insufficient or conflicting evidence, the clinical significance of this alteration remains unclear.

Victorian Clinical Genetics Services, Murdoch Childrens Research Institute
Classification: Likely pathogenic for Alport syndrome. Last evaluated: 2024-10-09. Review status: criteria provided, single submitter. Criteria: ACMG Guidelines, 2015. Collection method: clinical testing. Allele origin: germline. Affected: yes.
Comment: Based on the classification scheme VCGS_Germline_v1.3.4, this variant is classified as Likely pathogenic. Following criteria are met: 0103 - Loss of function is a known mechanism of disease for this gene and is associated with Alport syndrome (MONDO:0018965). Dominant negative is a suspected mechanism of disease for this gene as it is a structural protein (PMIDs: 12028435, 24046192). (I) 0108 - This gene is associated with both recessive and dominant disease. Alport syndrome typically has biallelic inheritance, although rare cases of monoallelic inheritance have been reported (PMID: 28704582). Thin basement mebrane nephropathy (TBMN) and focal segmental glomerulosclerosis (FSGS) are associated with autosomal dominant inheritance (OMIM, PMIDs: 16467446, 17942953). (I) 0200 - Variant is predicted to result in a missense amino acid change from glycine to glutamic acid. (I) 0251 - This variant is heterozygous. (I) 0304 - Variant is present in gnomAD (v2) <0.01 (24 heterozygotes, 0 homozygotes). (SP) 0309 - An alternative amino acid change at the same position has been observed in gnomAD (v2; 4 heterozygotes, 0 homozygotes). (I) 0501 - Missense variant consistently predicted to be damaging by multiple in silico tools or highly conserved with a major amino acid change. (SP) 0601 - Variant is located in the well-established functional functional Gly-X-Y motif in the collagen triple helical domain and affects a glycine residue (DECIPHER). (SP) 0705 - No comparable missense variants have previous evidence for pathogenicity. (I) 0803 - This variant has limited previous evidence of pathogenicity in unrelated individuals. This variant has been reported in the literature in a child with meangioproliferative glomerulonephritis (PMID: 28476686). An abstract from the World Congress of Nephrology also reported this variant in an individual with familial haematuria (Yu, Z and Li, Z (2019)). (SP) 0905 - No published segregation evidence has been identified for this variant. (I) 1007 - No published functional evidence has been identified for this variant. (I) 1102 - Strong phenotype match for this individual. (SP) 1208 - Inheritance information for this variant is not currently available in this individual. (I) Legend: (SP) - Supporting pathogenic, (I) - Information, (SB) - Supporting benign

Juno Genomics, Hangzhou Juno Genomics, Inc
Classification: Likely pathogenic for Autosomal recessive Alport syndrome; Hematuria, benign familial, 1. Review status: criteria provided, single submitter. Criteria: ACMG Guidelines, 2015. Collection method: clinical testing. Allele origin: germline.
Comment: Absent from controls (or at extremely low frequency if recessive) in Genome Aggregation Database.;Multiple lines of computational evidence support a deleterious effect on the gene or gene product.;Patient's phenotype or family history is highly specific for a disease with a single genetic etiology.

Literature cited by the submitters: PubMed 28476686 (cited by 3 submitters); PubMed 34400539 (cited by Ambry Genetics); PubMed 12028435 (cited by Victorian Clinical Genetics Services, Murdoch Childrens Research Institute); PubMed 16467446 (cited by Victorian Clinical Genetics Services, Murdoch Childrens Research Institute); PubMed 17942953 (cited by Victorian Clinical Genetics Services, Murdoch Childrens Research Institute); PubMed 24046192 (cited by Victorian Clinical Genetics Services, Murdoch Childrens Research Institute); PubMed 28704582 (cited by Victorian Clinical Genetics Services, Murdoch Childrens Research Institute).

NM_000092.5(COL4A4):c.2447G>A (p.Gly816Glu)

Gene: COL4A4 (collagen type IV alpha 4 chain; minus strand). Cytogenetic location: 2q36.3.
Variant type: single nucleotide variant.
Coding change: c.2447G>A on transcript NM_000092.5 (MANE Select); coding-DNA position 2447, G replaced by A.
Protein change: p.Gly816Glu; replaces glycine 816 with glutamic acid.
Molecular consequence: missense variant.
Genome position (GRCh38, 1-based): chr2:227,057,537, C>T on the plus strand (G>A on the coding strand, the complement: COL4A4 is on the minus strand). VCF-style: chr2-227057537-C-T. GRCh37 (hg19) VCF-style: chr2-227922253-C-T.
Other names: short protein forms G816E.
Identifiers: ClinVar variation 3147598 (VCV003147598.8), dbSNP rs371817534, ClinGen allele CA2144802.